The following is an entry in ClinVar:

NM_007194.4(CHEK2):c.1269del (p.Tyr424fs)

Gene: CHEK2 (checkpoint kinase 2; minus strand). Cytogenetic location: 22q12.1.
Variant type: Deletion.
Coding change: c.1269del on transcript NM_007194.4 (MANE Select); coding-DNA position 1269, one base deleted (G; older notation c.1269delG).
Protein change: p.Tyr424fs; shifts the reading frame from tyrosine 424.
Molecular consequence: frameshift variant.
Genome position (GRCh38, 1-based): chr22:28,695,233, C deleted on the plus strand (G on the coding strand, the reverse complement: CHEK2 is on the minus strand); the first of 3 consecutive C bases (chr22:28,695,233-28,695,235); deleting any one gives the same sequence. VCF-style (leftmost placement, unchanged base first): chr22-28695232-AC-A. GRCh37 (hg19) VCF-style: chr22-29091220-AC-A.
Other names: c.1396delG, p.Tyr467Ilefs (NM_001005735.3); c.604delG, p.Tyr203Ilefs (NM_001257387.3); c.1066delG, p.Tyr357Ilefs (NM_001349956.3); c.1180delG, p.Tyr395Ilefs (NM_145862.3); short protein forms Y203fs, Y357fs, Y467fs, Y395fs, Y424fs.
Identifiers: ClinVar variation 3492171 (VCV003492171.1).
Genomic context (GRCh38, chr22:28,695,232, plus strand): 5'-TTCCACTGGTGATCTGATCCTTCAGTGACACTTGAGTCCTATGCTCAGAGAAAGGTGGAT[AC>A]CCACTAAGGCTTAATATTGGTAGAGAGAGAAAGGAAAAGAAATCAAGTGGCATTCTCAGT-3'

ClinVar aggregate classification (germline): Pathogenic (1 of 4 stars; one submission).

Conditions:
Hereditary cancer-predisposing syndrome. Also called: Tumor predisposition; Neoplastic Syndromes, Hereditary; Hereditary Cancer Syndrome; Hereditary neoplastic syndrome. Identifiers: Orphanet 140162, MedGen C0027672, MeSH D009386, MONDO:0015356.

Submission:

Ambry Genetics
Classification: Pathogenic for Hereditary cancer-predisposing syndrome. Last evaluated: 2024-07-05. Review status: criteria provided, single submitter. Criteria: Ambry Variant Classification Scheme 2023. Collection method: clinical testing. Allele origin: germline.
Comment: The c.1269delG pathogenic mutation, located in coding exon 11 of the CHEK2 gene, results from a deletion of one nucleotide at nucleotide position 1269, causing a translational frameshift with a predicted alternate stop codon (p.Y424Ifs*13). This variant is considered to be rare based on population cohorts in the Genome Aggregation Database (gnomAD). This alteration is expected to result in loss of function by premature protein truncation or nonsense-mediated mRNA decay. As such, this alteration is interpreted as a disease-causing mutation.